The following is an entry in ClinVar:

ClinVar aggregate classification (germline): Uncertain significance (1 of 4 stars; one submission).

Conditions:
LAMA2-related muscular dystrophy (LAMA2-RD). Also called: Laminin alpha 2-related dystrophy. Identifiers: MedGen C5679788, MONDO:0100228.

Submission:

Labcorp Genetics (formerly Invitae), Labcorp
Classification: Uncertain significance for LAMA2-related muscular dystrophy. Last evaluated: 2022-06-10. Review status: criteria provided, single submitter. Criteria: Invitae Variant Classification Sherloc (09022015). Collection method: clinical testing. Allele origin: germline.
Comment: This sequence change replaces asparagine, which is neutral and polar, with lysine, which is basic and polar, at codon 2017 of the LAMA2 protein (p.Asn2017Lys). This variant is not present in population databases (gnomAD no frequency). This variant has not been reported in the literature in individuals affected with LAMA2-related conditions. Advanced modeling of protein sequence and biophysical properties (such as structural, functional, and spatial information, amino acid conservation, physicochemical variation, residue mobility, and thermodynamic stability) performed at Invitae indicates that this missense variant is not expected to disrupt LAMA2 protein function. In summary, the available evidence is currently insufficient to determine the role of this variant in disease. Therefore, it has been classified as a Variant of Uncertain Significance.

NM_000426.4(LAMA2):c.6051T>A (p.Asn2017Lys)

Gene: LAMA2 (laminin subunit alpha 2; plus strand). Cytogenetic location: 6q22.33.
Variant type: single nucleotide variant.
Coding change: c.6051T>A on transcript NM_000426.4 (MANE Select); coding-DNA position 6051, T replaced by A.
Protein change: p.Asn2017Lys; replaces asparagine 2017 with lysine.
Molecular consequence: missense variant.
Genome position (GRCh38, 1-based): chr6:129,438,728, T>A. VCF-style: chr6-129438728-T-A. GRCh37 (hg19) VCF-style: chr6-129759873-T-A.
Other names: c.6051T>A, p.Asn2017Lys (NM_001079823.2); short protein forms N2017K.
Identifiers: ClinVar variation 2129205 (VCV002129205.1), dbSNP rs1781956319, ClinGen allele CA365627993.